The following is an entry in ClinVar:

NM_012431.3(SEMA3E):c.2116G>T (p.Ala706Ser)

Gene: SEMA3E (semaphorin 3E; minus strand). Cytogenetic location: 7q21.11.
Variant type: single nucleotide variant.
Coding change: c.2116G>T on transcript NM_012431.3 (MANE Select); coding-DNA position 2116, G replaced by T.
Protein change: p.Ala706Ser; replaces alanine 706 with serine.
Molecular consequence: missense variant.
Genome position (GRCh38, 1-based): chr7:83,367,798, C>A on the plus strand (G>T on the coding strand, the complement: SEMA3E is on the minus strand). VCF-style: chr7-83367798-C-A. GRCh37 (hg19) VCF-style: chr7-82997114-C-A.
Other names: c.1936G>T, p.Ala646Ser (NM_001178129.2); short protein forms A646S, A706S.
Identifiers: ClinVar variation 3625484 (VCV003625484.2).
Genomic context (GRCh38, chr7:83,367,798, plus strand): 5'-CCACTCTCTGGAAGTTGCTATAACCGATCAGCTGCAAGAATTCCTTGTACCATGGTTTTG[C>A]TCCCTGCGAGATGCTACTCTGAGCAGGACAAGGCATCCTGTGATGCCTGTCCTCCTCATC-3'
Protein context (NP_036563.1, residues 696-716): CPAQSSISQG[Ala706Ser]KPWYKEFLQL

ClinVar aggregate classification (germline): Uncertain significance (1 of 4 stars; one submission).

Conditions:
CHARGE syndrome (CHARGE). Also called: Hittner Hirsch Kreh syndrome; CHARGE ASSOCIATION--COLOBOMA, HEART ANOMALY, CHOANAL ATRESIA, RETARDATION, GENITAL AND EAR ANOMALIES; Coloboma, heart anomaly, choanal atresia, retardation, genital and ear anomalies; CHARGE association; Hall-Hittner syndrome. Identifiers: Orphanet 138, MedGen C0265354, MONDO:0008965.

gnomAD v4.1: 3 of 1,614,094 alleles (0.00019%); highest among the groups gnomAD compares: Non-Finnish European, 0.00025%; no homozygotes.

Submission:

Labcorp Genetics (formerly Invitae), Labcorp
Classification: Uncertain significance for CHARGE syndrome. Last evaluated: 2024-10-30. Review status: criteria provided, single submitter. Criteria: Invitae Variant Classification Sherloc (09022015). Collection method: clinical testing. Allele origin: germline.
Comment: This sequence change replaces alanine, which is neutral and non-polar, with serine, which is neutral and polar, at codon 706 of the SEMA3E protein (p.Ala706Ser). This variant is not present in population databases (gnomAD no frequency). This variant has not been reported in the literature in individuals affected with SEMA3E-related conditions. An algorithm developed to predict the effect of missense changes on protein structure and function outputs the following: PolyPhen-2: "Benign". The serine amino acid residue is found in multiple mammalian species, which suggests that this missense change does not adversely affect protein function. In summary, the available evidence is currently insufficient to determine the role of this variant in disease. Therefore, it has been classified as a Variant of Uncertain Significance.